The following is an entry in ClinVar:

ClinVar aggregate classification (germline): Conflicting classifications of pathogenicity. Review status: criteria provided, conflicting classifications (1 of 4 stars). 7 submissions from 7 submitters: Uncertain significance (5); Likely benign (1). 1 of the submissions does not count toward it. Last evaluated 2026-01-03.

Conditions:
Inborn genetic diseases. Identifiers: MedGen C0950123, MeSH D030342.
Epidermolysis bullosa simplex 5B, with muscular dystrophy (EBS5B). Also called: Epidermolysis bullosa simplex with muscular dystrophy; EPIDERMOLYSIS BULLOSA SIMPLEX AND LIMB-GIRDLE MUSCULAR DYSTROPHY. Identifiers: Orphanet 257, MedGen C2931072, MONDO:0009181, OMIM 226670.
Epidermolysis bullosa simplex 5C, with pyloric atresia (EBS5C). Also called: PLEC1-Related Epidermolysis Bullosa with Pyloric Atresia; PLEC-Related Epidermolysis Bullosa with Pyloric Atresia; Epidermolysis bullosa simplex with pyloric atresia. Identifiers: Orphanet 158684, MedGen C2677349, MONDO:0012807, OMIM 612138.
Autosomal recessive limb-girdle muscular dystrophy type 2Q (LGMDR17). Also called: MUSCULAR DYSTROPHY, LIMB-GIRDLE, AUTOSOMAL RECESSIVE 17. Identifiers: Orphanet 254361, MedGen C3150989, MONDO:0013390, OMIM 613723.
Epidermolysis bullosa simplex with nail dystrophy (EBS5D). Identifiers: MedGen C4225309, MONDO:0014661, OMIM 616487.
Epidermolysis bullosa simplex, Ogna type (EBS5A). Also called: Pidermolysis bullosa simplex 5A, Ogna type; EPIDERMOLYSIS BULLOSA SIMPLEX 5A, OGNA TYPE. Identifiers: Orphanet 79401, MedGen C0432317, MONDO:0007555, OMIM 131950.
PLEC-related disorder. Also called: PLEC-related condition; PLEC-related disorders.

Allele frequency attached by ClinVar (database versions not stated): gnomAD 0.00003 and 0.00004; gnomAD exomes 0.00005 and 0.00029; TOPMed 0.00009; ExAC 0.00024.
gnomAD v4.1: 83 of 1,595,210 alleles (0.0052%); highest among the groups gnomAD compares: Admixed American, 0.11%; 1 homozygote.

Submissions (7):

Labcorp Genetics (formerly Invitae), Labcorp
Classification: Uncertain significance for Autosomal recessive limb-girdle muscular dystrophy type 2Q; Epidermolysis bullosa simplex, Ogna type; Epidermolysis bullosa simplex with nail dystrophy; Epidermolysis bullosa simplex 5C, with pyloric atresia; Epidermolysis bullosa simplex 5B, with muscular dystrophy. Last evaluated: 2026-01-03. Review status: criteria provided, single submitter. Criteria: Invitae Variant Classification Sherloc (09022015). Collection method: clinical testing. Allele origin: germline.
Comment: This sequence change replaces glutamic acid, which is acidic and polar, with lysine, which is basic and polar, at codon 2142 of the PLEC protein (p.Glu2142Lys). This variant is present in population databases (rs782713908, gnomAD 0.2%), including at least one homozygous and/or hemizygous individual. This variant has not been reported in the literature in individuals affected with PLEC-related conditions. ClinVar contains an entry for this variant (Variation ID: 471629). An algorithm developed to predict the effect of missense changes on protein structure and function (PolyPhen-2) suggests that this variant is likely to be tolerated. In summary, the available evidence is currently insufficient to determine the role of this variant in disease. Therefore, it has been classified as a Variant of Uncertain Significance.

Laboratory of Genetics, Children's Clinical University Hospital Latvia
Classification: Likely benign. Last evaluated: 2025-02-16. Review status: criteria provided, single submitter. Criteria: ACMG Guidelines, 2015. Collection method: clinical testing. Allele origin: germline. Affected: yes.

Ambry Genetics
Classification: Uncertain significance for Inborn genetic diseases. Last evaluated: 2024-10-29. Review status: criteria provided, single submitter. Criteria: Ambry Variant Classification Scheme 2023. Collection method: clinical testing. Allele origin: germline.

Revvity Omics, Revvity
Classification: Uncertain significance. Last evaluated: 2021-10-13. Review status: criteria provided, single submitter. Criteria: ACMG Guidelines, 2015. Collection method: clinical testing. Allele origin: germline.

Baylor Genetics
Classification: Uncertain significance for Epidermolysis bullosa simplex 5B, with muscular dystrophy. Last evaluated: 2018-10-24. Review status: criteria provided, single submitter. Criteria: ACMG Guidelines, 2015. Collection method: clinical testing. Allele origin: paternal. Affected: yes.
Comment: This variant was determined to be of uncertain significance according to ACMG Guidelines, 2015 [PMID:25741868].

Eurofins Ntd Llc (ga)
Classification: Uncertain significance. Last evaluated: 2017-11-16. Review status: criteria provided, single submitter. Criteria: EGL Classification Definitions 2015. Collection method: clinical testing. Allele origin: germline. Observed: 2 variant alleles, 2 heterozygotes.

PreventionGenetics, part of Exact Sciences
Classification: Likely benign for PLEC-related condition. Last evaluated: 2024-06-10. Review status: no assertion criteria provided. Collection method: clinical testing. Allele origin: germline. Not counted in ClinVar's aggregate classification.
Comment: This variant is classified as likely benign based on ACMG/AMP sequence variant interpretation guidelines (Richards et al. 2015 PMID: 25741868, with internal and published modifications).

NM_201384.3(PLEC):c.6343G>A (p.Glu2115Lys)

Gene: PLEC (plectin; minus strand). Cytogenetic location: 8q24.3.
Variant type: single nucleotide variant.
Coding change: c.6343G>A on transcript NM_201384.3 (MANE Select); coding-DNA position 6343, G replaced by A.
Protein change: p.Glu2115Lys; replaces glutamic acid 2115 with lysine.
Molecular consequence: missense variant.
Genome position (GRCh38, 1-based): chr8:143,923,586, C>T on the plus strand (G>A on the coding strand, the complement: PLEC is on the minus strand). VCF-style: chr8-143923586-C-T. GRCh37 (hg19) VCF-style: chr8-144997754-C-T.
Other names: c.6424G>A, p.Glu2142Lys (NM_000445.5); c.6301G>A, p.Glu2101Lys (NM_201378.4); c.6277G>A, p.Glu2093Lys (NM_201379.3); c.6754G>A, p.Glu2252Lys (NM_201380.4); c.6247G>A, p.Glu2083Lys (NM_201381.3); c.6343G>A, p.Glu2115Lys (NM_201382.4); c.6355G>A, p.Glu2119Lys (NM_201383.3); short protein forms E2083K, E2093K, E2101K, E2115K, E2142K, E2252K, E2119K.
Identifiers: ClinVar variation 471629 (VCV000471629.20), dbSNP rs782713908, ClinGen allele CA4926031.
Genomic context (GRCh38, chr8:143,923,586, plus strand): 5'-CAGCCGCCTGTGCCTGAGCCCGGGCCTGTGCCTGCTCCTCTGCCGACTGCTTCAGCCGCT[C>T]GGCCTCTTCCACCTGCCGCCGGGACTGCGCCGCCTCACGCTCCGCCTGCACCCGGGCCTC-3'
Protein context (NP_958786.1, residues 2105-2125): AQSRRQVEEA[Glu2115Lys]RLKQSAEEQA